The following is an entry in ClinVar:

ClinVar aggregate classification (germline): Uncertain significance (1 of 4 stars; one submission).

Conditions:
Surfactant metabolism dysfunction, pulmonary, 4 (SMDP4). Also called: PULMONARY ALVEOLAR PROTEINOSIS, CONGENITAL, 4; PAP DUE TO CSF2RA DEFICIENCY; CSF2RA DEFICIENCY. Identifiers: Orphanet 264675, MedGen C2677877, MONDO:0010424, OMIM 300770.

Allele frequency attached by ClinVar (database versions not stated): gnomAD exomes below 0.00001 and 0.00001; ExAC 0.00001; TOPMed 0.00001; gnomAD 0.00003.
gnomAD v4.1: 13 of 1,613,142 alleles (0.00081%); highest among the groups gnomAD compares: African/African-American, 0.0053%; no homozygotes.

Submission:

Labcorp Genetics (formerly Invitae), Labcorp
Classification: Uncertain significance for Surfactant metabolism dysfunction, pulmonary, 4. Last evaluated: 2022-08-24. Review status: criteria provided, single submitter. Criteria: Invitae Variant Classification Sherloc (09022015). Collection method: clinical testing. Allele origin: germline.
Comment: This sequence change affects codon 25 of the CSF2RA mRNA. It is a 'silent' change, meaning that it does not change the encoded amino acid sequence of the CSF2RA protein. It affects a nucleotide within the consensus splice site. This variant is present in population databases (no rsID available, gnomAD 0.004%). This variant has not been reported in the literature in individuals affected with CSF2RA-related conditions. ClinVar contains an entry for this variant (Variation ID: 939626). Variants that disrupt the consensus splice site are a relatively common cause of aberrant splicing (PMID: 17576681, 9536098). Algorithms developed to predict the effect of sequence changes on RNA splicing suggest that this variant is not likely to affect RNA splicing. In summary, the available evidence is currently insufficient to determine the role of this variant in disease. Therefore, it has been classified as a Variant of Uncertain Significance.

Literature cited by the submitters: PubMed 17576681; PubMed 9536098.

NM_172245.4(CSF2RA):c.75G>A (p.Ser25=)

Gene: CSF2RA (colony stimulating factor 2 receptor subunit alpha; plus strand). Cytogenetic location: Xp22.33.
Variant type: single nucleotide variant.
Coding change: c.75G>A on transcript NM_172245.4 (MANE Select); coding-DNA position 75, G replaced by A.
Protein change: p.Ser25=; no amino-acid change (serine 25 retained).
Molecular consequence: synonymous variant. On other transcripts: non-coding transcript variant (1), 5 prime UTR variant (1).
Genome position (GRCh38, 1-based): chrX:1,282,778, G>A. VCF-style: chrX-1282778-G-A. GRCh37 (hg19) VCF-style: chrX-1401671-G-A.
Other names: c.75G>A, p.Ser25= (NM_001379166.1, NM_001379167.1, NM_001379168.1 and 20 more transcripts); c.-182G>A (NM_001161532.2).
Identifiers: ClinVar variation 939626 (VCV000939626.7), dbSNP rs778872405, ClinGen allele CA10330613.